The following is an entry in ClinVar:

ClinVar aggregate classification (germline): Uncertain significance. Review status: criteria provided, multiple submitters, no conflicts (2 of 4 stars). 2 submissions from 2 submitters: Uncertain significance (2). Last evaluated 2026-03-26.

Conditions:
USH2A-related disorder. Also called: USH2A-related condition; USH2A-related disorders. Identifiers: MedGen CN239332.

Allele frequency attached by ClinVar (database versions not stated): gnomAD exomes 0.00001; ExAC 0.00002; gnomAD 0.00002; TOPMed 0.00004; ESP Exome Variant Server 0.00008.
gnomAD v4.1: 30 of 1,614,010 alleles (0.0019%); highest among the groups gnomAD compares: East Asian, 0.0022%; no homozygotes.

Submissions (2):

PreventionGenetics, part of Exact Sciences
Classification: Uncertain significance for USH2A-related condition. Last evaluated: 2026-03-26. Review status: criteria provided, single submitter. Criteria: ACMG Guidelines, 2015. Collection method: clinical testing. Allele origin: germline.
Comment: The USH2A c.2509C>T variant is predicted to result in the amino acid substitution p.Arg837Trp. To our knowledge, this variant has not been reported in the literature. This variant is reported in 0.0029% of alleles in individuals of Latino descent in gnomAD. At this time, the clinical significance of this variant is uncertain due to the absence of conclusive functional and genetic evidence.

Labcorp Genetics (formerly Invitae), Labcorp
Classification: Uncertain significance. Last evaluated: 2021-12-27. Review status: criteria provided, single submitter. Criteria: Invitae Variant Classification Sherloc (09022015). Collection method: clinical testing. Allele origin: germline.
Comment: This sequence change replaces arginine, which is basic and polar, with tryptophan, which is neutral and slightly polar, at codon 837 of the USH2A protein (p.Arg837Trp). This variant is present in population databases (rs142655448, gnomAD 0.003%). This variant has not been reported in the literature in individuals affected with USH2A-related conditions. Algorithms developed to predict the effect of missense changes on protein structure and function output the following: SIFT: "Deleterious"; PolyPhen-2: "Benign"; Align-GVGD: "Class C0". The tryptophan amino acid residue is found in multiple mammalian species, which suggests that this missense change does not adversely affect protein function. In summary, the available evidence is currently insufficient to determine the role of this variant in disease. Therefore, it has been classified as a Variant of Uncertain Significance.

NM_206933.4(USH2A):c.2509C>T (p.Arg837Trp)

Genes: USH2A (usherin; minus strand), LOC122152296 (Sharpr-MPRA regulatory region 8762; plus strand). Cytogenetic location: 1q41.
Variant type: single nucleotide variant.
Coding change: c.2509C>T on transcript NM_206933.4 (MANE Select); coding-DNA position 2509, C replaced by T.
Protein change: p.Arg837Trp; replaces arginine 837 with tryptophan.
Molecular consequence: missense variant.
Genome position (GRCh38, 1-based): chr1:216,246,885, G>A on the plus strand (C>T on the coding strand, the complement: USH2A is on the minus strand). VCF-style: chr1-216246885-G-A. GRCh37 (hg19) VCF-style: chr1-216420227-G-A.
Other names: c.2509C>T, p.Arg837Trp (NM_007123.6); c.2509C>T (NM_206933.2); short protein forms R837W.
Identifiers: ClinVar variation 1519126 (VCV001519126.6), dbSNP rs142655448, ClinGen allele CA1396220.
Genomic context (GRCh38, chr1:216,246,885, plus strand): 5'-CATTTATTGTCCCAGTCTTATCACAGTTGCAAGGCAGACAGAGGAAAGAATTATTTTGCC[G>A]TAGGTAGAAGTTTCCCTCCAAACATTTATTGCACTGTCTCCCTTCAACATTGGGCTTGCA-3'
Protein context (NP_996816.3, residues 827-847): NKCLEGNFYL[Arg837Trp]QNNSFLCLPC